The following is an entry in ClinVar:

ClinVar aggregate classification (germline): Uncertain significance. Review status: criteria provided, multiple submitters, no conflicts (2 of 4 stars). 2 submissions from 2 submitters: Uncertain significance (2). Last evaluated 2024-12-30.

Conditions:
Malignant hyperthermia, susceptibility to, 5 (MHS5). Also called: CACNA1S-Related Malignant Hyperthermia Susceptibility. Identifiers: Orphanet 423, MedGen C1866077, MONDO:0011163, OMIM 601887.

gnomAD v4.1: 8 of 1,613,486 alleles (0.0005%); highest among the groups gnomAD compares: Non-Finnish European, 0.00068%; no homozygotes.

Submissions (2):

GeneDx
Classification: Uncertain significance. Last evaluated: 2024-12-30. Review status: criteria provided, single submitter. Criteria: GeneDx Variant Classification Process June 2021. Collection method: clinical testing. Allele origin: germline. Affected: yes.
Comment: Not observed at significant frequency in large population cohorts (gnomAD); In silico analysis supports that this missense variant has a deleterious effect on protein structure/function; Has not been previously published as pathogenic or benign to our knowledge

Color Diagnostics, LLC DBA Color Health
Classification: Uncertain significance for Malignant hyperthermia, susceptibility to, 5. Last evaluated: 2024-03-13. Review status: criteria provided, single submitter. Criteria: ACMG Guidelines, 2015. Collection method: clinical testing. Allele origin: germline.
Comment: This missense variant replaces glycine with aspartic acid at codon 970 of the CACNA1S protein. Computational prediction suggests that this variant may have deleterious impact on protein structure and function. To our knowledge, functional studies have not been reported for this variant. This variant has not been reported in individuals affected with CACNA1S-related disorders in the literature. This variant has not been identified in the general population by the Genome Aggregation Database (gnomAD). The available evidence is insufficient to determine the role of this variant in disease conclusively. Therefore, this variant is classified as a Variant of Uncertain Significance.

NM_000069.3(CACNA1S):c.2909G>A (p.Gly970Asp)

Gene: CACNA1S (calcium voltage-gated channel subunit alpha1 S; minus strand). Cytogenetic location: 1q32.1.
Variant type: single nucleotide variant.
Coding change: c.2909G>A on transcript NM_000069.3 (MANE Select); coding-DNA position 2909, G replaced by A.
Protein change: p.Gly970Asp; replaces glycine 970 with aspartic acid.
Molecular consequence: missense variant.
Genome position (GRCh38, 1-based): chr1:201,062,088, C>T on the plus strand (G>A on the coding strand, the complement: CACNA1S is on the minus strand). VCF-style: chr1-201062088-C-T. GRCh37 (hg19) VCF-style: chr1-201031216-C-T.
Other names: short protein forms G970D.
Identifiers: ClinVar variation 3907955 (VCV003907955.2).